The following is an entry in ClinVar:

NM_003900.5(SQSTM1):c.756C>T (p.Gly252=)

Gene: SQSTM1 (sequestosome 1; plus strand). Cytogenetic location: 5q35.3.
Variant type: single nucleotide variant.
Coding change: c.756C>T on transcript NM_003900.5 (MANE Select); coding-DNA position 756, C replaced by T.
Protein change: p.Gly252=; no amino-acid change (glycine 252 retained).
Molecular consequence: synonymous variant.
Genome position (GRCh38, 1-based): chr5:179,833,033, C>T. VCF-style: chr5-179833033-C-T. GRCh37 (hg19) VCF-style: chr5-179260033-C-T.
Other names: c.504C>T, p.Gly168= (NM_001142298.2, NM_001142299.2).
Identifiers: ClinVar variation 388956 (VCV000388956.10), dbSNP rs769297000, ClinGen allele CA16604940.

ClinVar aggregate classification (germline): Likely benign. Review status: criteria provided, multiple submitters, no conflicts (2 of 4 stars). 2 submissions from 2 submitters: Likely benign (2). Last evaluated 2025-01-11.

Conditions:
Paget disease of bone 2, early-onset (PDB2). Also called: Paget disease of bone 2. Identifiers: MedGen C4085251, MONDO:0011183, OMIM 602080.
Frontotemporal dementia and/or amyotrophic lateral sclerosis 1 (FTDALS1). Also called: Frontotemporal dementia with motor neuron disease 1; C9orf72 Frontotemporal Dementia and/or Amyotrophic Lateral Sclerosis. Identifiers: Orphanet 275872, MedGen C5779877, MONDO:0007105, OMIM 105550.

Allele frequency attached by ClinVar (database versions not stated): gnomAD 0.00002; TOPMed 0.00002.
gnomAD v4.1: 13 of 1,614,022 alleles (0.00081%); highest among the groups gnomAD compares: African/African-American, 0.0027%; no homozygotes.

Submissions (2):

Labcorp Genetics (formerly Invitae), Labcorp
Classification: Likely benign for Paget disease of bone 2, early-onset; Frontotemporal dementia and/or amyotrophic lateral sclerosis 1. Last evaluated: 2025-01-11. Review status: criteria provided, single submitter. Criteria: Invitae Variant Classification Sherloc (09022015). Collection method: clinical testing. Allele origin: germline.

GeneDx
Classification: Likely benign. Last evaluated: 2016-09-02. Review status: criteria provided, single submitter. Criteria: GeneDx Variant Classification (06012015). Collection method: clinical testing. Allele origin: germline. Affected: yes.
Comment: This variant is considered likely benign or benign based on one or more of the following criteria: it is a conservative change, it occurs at a poorly conserved position in the protein, it is predicted to be benign by multiple in silico algorithms, and/or has population frequency not consistent with disease.